The following is an entry in ClinVar:

NM_002335.4(LRP5):c.870G>A (p.Glu290=)

Gene: LRP5 (LDL receptor related protein 5; plus strand). Cytogenetic location: 11q13.2.
Variant type: single nucleotide variant.
Coding change: c.870G>A on transcript NM_002335.4 (MANE Select); coding-DNA position 870, G replaced by A.
Protein change: p.Glu290=; no amino-acid change (glutamic acid 290 retained).
Molecular consequence: synonymous variant. On other transcripts: 5 prime UTR variant (1).
Genome position (GRCh38, 1-based): chr11:68,363,930, G>A. VCF-style: chr11-68363930-G-A. GRCh37 (hg19) VCF-style: chr11-68131398-G-A.
Other names: c.-896G>A (NM_001291902.2); c.870G>A (NM_002335.3).
Identifiers: ClinVar variation 1573304 (VCV001573304.9), dbSNP rs1197679750, ClinGen allele CA475460340.

ClinVar aggregate classification (germline): Likely benign. Review status: criteria provided, multiple submitters, no conflicts (2 of 4 stars). 2 submissions from 2 submitters: Likely benign (2). Last evaluated 2026-07-22.

Conditions:
LRP5-related disorder. Also called: LRP5-related condition.

Allele frequency attached by ClinVar (database versions not stated): gnomAD exomes below 0.00001; gnomAD 0.00001.
gnomAD v4.1: 3 of 1,611,378 alleles (0.00019%); highest among the groups gnomAD compares: South Asian, 0.0033%; no homozygotes.

Submissions (2):

PreventionGenetics, part of Exact Sciences
Classification: Likely benign for LRP5-related condition. Last evaluated: 2026-07-22. Review status: criteria provided, single submitter. Criteria: ACMG Guidelines, 2015. Collection method: clinical testing. Allele origin: germline.
Comment: This variant is classified as likely benign based on ACMG/AMP sequence variant interpretation guidelines (Richards et al. 2015 PMID: 25741868, with internal and published modifications).

Labcorp Genetics (formerly Invitae), Labcorp
Classification: Likely benign. Last evaluated: 2021-04-09. Review status: criteria provided, single submitter. Criteria: Invitae Variant Classification Sherloc (09022015). Collection method: clinical testing. Allele origin: germline.